The following is an entry in ClinVar:

ClinVar aggregate classification (germline): Conflicting classifications of pathogenicity. Review status: criteria provided, conflicting classifications (1 of 4 stars). 4 submissions from 4 submitters: Pathogenic (2); Likely pathogenic (1); Uncertain significance (1). Last evaluated 2025-07-13.

Conditions:
Familial X-linked hypophosphatemic vitamin D refractory rickets (XLHRD). Also called: Hypophosphatemia, vitamin D-resistant rickets; Hypophosphatemic Rickets, X-Linked Dominant; HYPOPHOSPHATEMIC VITAMIN D-RESISTANT RICKETS; Vitamin D-resistant rickets, X-linked; X-Linked Hypophosphatemia. Identifiers: Orphanet 89936, MedGen C0733682, MONDO:0010619, OMIM 307800.

Submissions (4):

Labcorp Genetics (formerly Invitae), Labcorp
Classification: Pathogenic. Last evaluated: 2025-07-13. Review status: criteria provided, single submitter. Criteria: Invitae Variant Classification Sherloc (09022015). Collection method: clinical testing. Allele origin: germline.
Comment: This sequence change replaces tryptophan, which is neutral and slightly polar, with cysteine, which is neutral and slightly polar, at codon 456 of the PHEX protein (p.Trp456Cys). This variant is not present in population databases (gnomAD no frequency). This missense change has been observed in individuals with hypophosphatemia (PMID: 10439971, 22101457, 29460029; internal data). It has also been observed to segregate with disease in related individuals. ClinVar contains an entry for this variant (Variation ID: 287635). Invitae Evidence Modeling of protein sequence and biophysical properties (such as structural, functional, and spatial information, amino acid conservation, physicochemical variation, residue mobility, and thermodynamic stability) indicates that this missense variant is expected to disrupt PHEX protein function with a positive predictive value of 95%. This variant disrupts the p.Trp456 amino acid residue in PHEX. Other variant(s) that disrupt this residue have been observed in individuals with PHEX-related conditions (PMID: 29460029), which suggests that this may be a clinically significant amino acid residue. For these reasons, this variant has been classified as Pathogenic.

GeneDx
Classification: Likely pathogenic. Last evaluated: 2016-07-19. Review status: criteria provided, single submitter. Criteria: GeneDx Variant Classification (06012015). Collection method: clinical testing. Allele origin: germline. Affected: yes.
Comment: This variant has been previously published in association with X-linked hypophosphatemic rickets (Filisetti et al., 1999; Quinlan et al., 2012) with limited data to fully support pathogenicity. The W456C variant was not observed in approximately 6,500 individuals of European and African American ancestry in the NHLBI Exome Sequencing Project, indicating it is not a common benign variant in these populations. The W456C variant is a non-conservative amino acid substitution, which is likely to impact secondary protein structure as these residues differ in polarity, charge, size and/or other properties. This substitution occurs at a position that is conserved across species, and in silico analysis predicts this variant is probably damaging to the protein structure/function. A missense variant in a nearby residue (L450P) has also been reported in the Human Gene Mutation Database in association with hypophosphatemic rickets (Stenson et al., 2014), supporting the functional importance of this region of the protein. Therefore, this variant is likely pathogenic; however, the possibility that it is benign cannot be excluded.

Eurofins Ntd Llc (ga)
Classification: Uncertain significance. Last evaluated: 2016-06-01. Review status: criteria provided, single submitter. Criteria: EGL Classification Definitions 2015. Collection method: clinical testing. Allele origin: germline. Observed: 1 variant allele, 1 heterozygote.

Clinical Biomedical Laboratory, Shriners Hospital For Children - Canada
Classification: Pathogenic for Familial X-linked hypophosphatemic vitamin D refractory rickets. Review status: criteria provided, single submitter. Criteria: ACMG Guidelines, 2015. Collection method: clinical testing. Allele origin: germline. Affected: yes.
Comment: This variant is predicted to substitute a tryptophane residue by a cysteine residue in PHEX. This variant is absent in the Genome Aggregation Database (gnomAD v2.1.1), indicating it is very rare. Computational tools (REVEL: 0.90) suggest that the amino acid change is deleterious to protein function. Based on the ACMG variant interpretation guidelines (criteria: PS4, PP1, PM1, PP2, PM2, PM5, PP3), the available evidence supports classification of this variant as pathogenic.

Literature cited by the submitters: PubMed 10439971 (cited by Labcorp Genetics (formerly Invitae), Labcorp); PubMed 22101457 (cited by Labcorp Genetics (formerly Invitae), Labcorp); PubMed 29460029 (cited by Labcorp Genetics (formerly Invitae), Labcorp).

NM_000444.6(PHEX):c.1368G>C (p.Trp456Cys)

Gene: PHEX (phosphate regulating endopeptidase X-linked; plus strand). Cytogenetic location: Xp22.11.
Variant type: single nucleotide variant.
Coding change: c.1368G>C on transcript NM_000444.6 (MANE Select); coding-DNA position 1368, G replaced by C.
Protein change: p.Trp456Cys; replaces tryptophan 456 with cysteine.
Molecular consequence: missense variant.
Genome position (GRCh38, 1-based): chrX:22,133,588, G>C. VCF-style: chrX-22133588-G-C. GRCh37 (hg19) VCF-style: chrX-22151705-G-C.
Other names: c.1368G>C, p.Trp456Cys (NM_001282754.2); short protein forms W456C.
Identifiers: ClinVar variation 287635 (VCV000287635.13), dbSNP rs886043680, ClinGen allele CA10605818.
Genomic context (GRCh38, chrX:22,133,588, plus strand): 5'-GGAATTGGTTGAGGGCGTTCGCTGGGCCTTTATTGACATGCTAGAGAAAGAAAATGAGTG[G>C]ATGGATGCAGGAACGAAAAGGAAAGCCAAAGAAAAGGTAAGGATTCCTTTTGATGAAAAA-3'
Protein context (NP_000435.3, residues 446-466): FIDMLEKENE[Trp456Cys]MDAGTKRKAK